The following is an entry in ClinVar:

NM_206933.4(USH2A):c.12974C>G (p.Pro4325Arg)

Gene: USH2A (usherin; minus strand). Cytogenetic location: 1q41.
Variant type: single nucleotide variant.
Coding change: c.12974C>G on transcript NM_206933.4 (MANE Select); coding-DNA position 12974, C replaced by G.
Protein change: p.Pro4325Arg; replaces proline 4325 with arginine.
Molecular consequence: missense variant.
Genome position (GRCh38, 1-based): chr1:215,674,937, G>C on the plus strand (C>G on the coding strand, the complement: USH2A is on the minus strand). VCF-style: chr1-215674937-G-C. GRCh37 (hg19) VCF-style: chr1-215848279-G-C.
Other names: short protein forms P4325R.
Identifiers: ClinVar variation 1498328 (VCV001498328.5), dbSNP rs925327591, ClinGen allele CA37412813.

ClinVar aggregate classification (germline): Uncertain significance (1 of 4 stars; one submission).

Submission:

Labcorp Genetics (formerly Invitae), Labcorp
Classification: Uncertain significance. Last evaluated: 2021-09-17. Review status: criteria provided, single submitter. Criteria: Invitae Variant Classification Sherloc (09022015). Collection method: clinical testing. Allele origin: germline.
Comment: This sequence change replaces proline with arginine at codon 4325 of the USH2A protein (p.Pro4325Arg). The proline residue is highly conserved and there is a moderate physicochemical difference between proline and arginine. This variant is not present in population databases (ExAC no frequency). This variant has not been reported in the literature in individuals with USH2A-related conditions. Algorithms developed to predict the effect of missense changes on protein structure and function (SIFT, PolyPhen-2, Align-GVGD) all suggest that this variant is likely to be disruptive, but these predictions have not been confirmed by published functional studies and their clinical significance is uncertain. In summary, the available evidence is currently insufficient to determine the role of this variant in disease. Therefore, it has been classified as a Variant of Uncertain Significance.